The following is an entry in ClinVar:

NM_004369.4(COL6A3):c.2185A>G (p.Asn729Asp)

Gene: COL6A3 (collagen type VI alpha 3 chain; minus strand). Cytogenetic location: 2q37.3.
Variant type: single nucleotide variant.
Coding change: c.2185A>G on transcript NM_004369.4 (MANE Select); coding-DNA position 2185, A replaced by G.
Protein change: p.Asn729Asp; replaces asparagine 729 with aspartic acid.
Molecular consequence: missense variant. On other transcripts: intron variant (1).
Genome position (GRCh38, 1-based): chr2:237,378,948, T>C on the plus strand (A>G on the coding strand, the complement: COL6A3 is on the minus strand). VCF-style: chr2-237378948-T-C. GRCh37 (hg19) VCF-style: chr2-238287591-T-C.
Other names: c.964A>G, p.Asn322Asp (NM_057164.5); c.1567A>G, p.Asn523Asp (NM_057165.5, NM_057167.4); c.677-1604A>G (NM_057166.5); short protein forms N523D, N729D, N322D.
Identifiers: ClinVar variation 1992598 (VCV001992598.4), dbSNP rs2469920429, ClinGen allele CA351214241.

ClinVar aggregate classification (germline): Uncertain significance (1 of 4 stars; one submission).

Conditions:
Bethlem myopathy 1A. Also called: MYOPATHY, BENIGN CONGENITAL, WITH CONTRACTURES; Bethlem myopathy 1; Bethlem Muscular Dystrophy. Identifiers: Orphanet 610, MedGen CN029274, MONDO:0024530, OMIM 158810.

Submission:

Labcorp Genetics (formerly Invitae), Labcorp
Classification: Uncertain significance for Bethlem myopathy 1A. Last evaluated: 2022-05-10. Review status: criteria provided, single submitter. Criteria: Invitae Variant Classification Sherloc (09022015). Collection method: clinical testing. Allele origin: germline.
Comment: In summary, the available evidence is currently insufficient to determine the role of this variant in disease. Therefore, it has been classified as a Variant of Uncertain Significance. Advanced modeling of protein sequence and biophysical properties (such as structural, functional, and spatial information, amino acid conservation, physicochemical variation, residue mobility, and thermodynamic stability) performed at Invitae indicates that this missense variant is not expected to disrupt COL6A3 protein function. This variant has not been reported in the literature in individuals affected with COL6A3-related conditions. This variant is not present in population databases (gnomAD no frequency). This sequence change replaces asparagine, which is neutral and polar, with aspartic acid, which is acidic and polar, at codon 729 of the COL6A3 protein (p.Asn729Asp).